The following is an entry in ClinVar:

ClinVar aggregate classification (germline): Uncertain significance. Review status: criteria provided, multiple submitters, no conflicts (2 of 4 stars). 2 submissions from 2 submitters: Uncertain significance (2). Last evaluated 2023-10-17.

Conditions:
Inborn genetic diseases. Identifiers: MedGen C0950123, MeSH D030342.
Combined immunodeficiency due to LRBA deficiency. Also called: Common variable immunodeficiency 8, with autoimmunity. Identifiers: Orphanet 445018, MedGen C3553512, MONDO:0013863, OMIM 614700.

Allele frequency attached by ClinVar (database versions not stated): gnomAD 0.00001; ExAC 0.00004; gnomAD exomes 0.00005.
gnomAD v4.1: 47 of 1,613,794 alleles (0.0029%); highest among the groups gnomAD compares: South Asian, 0.042%; no homozygotes.

Submissions (2):

Ambry Genetics
Classification: Uncertain significance for Inborn genetic diseases. Last evaluated: 2023-10-17. Review status: criteria provided, single submitter. Criteria: Ambry Variant Classification Scheme 2023. Collection method: clinical testing. Allele origin: germline.

Labcorp Genetics (formerly Invitae), Labcorp
Classification: Uncertain significance for Combined immunodeficiency due to LRBA deficiency. Last evaluated: 2021-08-26. Review status: criteria provided, single submitter. Criteria: Invitae Variant Classification Sherloc (09022015). Collection method: clinical testing. Allele origin: germline.
Comment: This sequence change replaces serine with tryptophan at codon 2002 of the LRBA protein (p.Ser2002Trp). The serine residue is moderately conserved and there is a large physicochemical difference between serine and tryptophan. This variant is present in population databases (rs111883007, ExAC 0.03%). This variant has not been reported in the literature in individuals affected with LRBA-related conditions. Algorithms developed to predict the effect of missense changes on protein structure and function are either unavailable or do not agree on the potential impact of this missense change (SIFT: "Deleterious"; PolyPhen-2: "Probably Damaging"; Align-GVGD: "Class C0"). In summary, the available evidence is currently insufficient to determine the role of this variant in disease. Therefore, it has been classified as a Variant of Uncertain Significance.

NM_001364905.1(LRBA):c.6005C>G (p.Ser2002Trp)

Gene: LRBA (LPS responsive beige-like anchor protein; minus strand). Cytogenetic location: 4q31.3.
Variant type: single nucleotide variant.
Coding change: c.6005C>G on transcript NM_001364905.1 (MANE Select); coding-DNA position 6005, C replaced by G.
Protein change: p.Ser2002Trp; replaces serine 2002 with tryptophan.
Molecular consequence: missense variant.
Genome position (GRCh38, 1-based): chr4:150,599,048, G>C on the plus strand (C>G on the coding strand, the complement: LRBA is on the minus strand). VCF-style: chr4-150599048-G-C. GRCh37 (hg19) VCF-style: chr4-151520200-G-C.
Other names: c.6005C>G, p.Ser2002Trp (NM_001199282.3, NM_001367550.1, NM_006726.5); short protein forms S2002W.
Identifiers: ClinVar variation 1399383 (VCV001399383.6), dbSNP rs111883007, ClinGen allele CA3102283.